The following is an entry in ClinVar:

ClinVar aggregate classification (germline): Uncertain significance (1 of 4 stars; one submission).

Submission:

Labcorp Genetics (formerly Invitae), Labcorp
Classification: Uncertain significance. Last evaluated: 2024-04-25. Review status: criteria provided, single submitter. Criteria: Invitae Variant Classification Sherloc (09022015). Collection method: clinical testing. Allele origin: germline.
Comment: This sequence change replaces arginine, which is basic and polar, with histidine, which is basic and polar, at codon 748 of the MAPKBP1 protein (p.Arg748His). This variant is present in population databases (rs752785417, gnomAD 0.002%). This variant has not been reported in the literature in individuals affected with MAPKBP1-related conditions. An algorithm developed to predict the effect of missense changes on protein structure and function (PolyPhen-2) suggests that this variant is likely to be disruptive. In summary, the available evidence is currently insufficient to determine the role of this variant in disease. Therefore, it has been classified as a Variant of Uncertain Significance.

NM_014994.3(MAPKBP1):c.2225G>A (p.Arg742His)

Gene: MAPKBP1 (mitogen-activated protein kinase binding protein 1; plus strand). Cytogenetic location: 15q15.1.
Variant type: single nucleotide variant.
Coding change: c.2225G>A on transcript NM_014994.3 (MANE Select); coding-DNA position 2225, G replaced by A.
Protein change: p.Arg742His; replaces arginine 742 with histidine.
Molecular consequence: missense variant. On other transcripts: non-coding transcript variant (2).
Genome position (GRCh38, 1-based): chr15:41,818,891, G>A. VCF-style: chr15-41818891-G-A. GRCh37 (hg19) VCF-style: chr15-42111089-G-A.
Other names: c.2243G>A, p.Arg748His (NM_001128608.2); c.2225G>A, p.Arg742His (NM_001265611.2); short protein forms R742H, R748H.
Identifiers: ClinVar variation 3611545 (VCV003611545.2).